The following is an entry in ClinVar:

NM_001040108.2(MLH3):c.1714T>C (p.Trp572Arg)

Gene: MLH3 (mutL homolog 3; minus strand). Cytogenetic location: 14q24.3.
Variant type: single nucleotide variant.
Coding change: c.1714T>C on transcript NM_001040108.2 (MANE Select); coding-DNA position 1714, T replaced by C.
Protein change: p.Trp572Arg; replaces tryptophan 572 with arginine.
Molecular consequence: missense variant.
Genome position (GRCh38, 1-based): chr14:75,047,942, A>G on the plus strand (T>C on the coding strand, the complement: MLH3 is on the minus strand). VCF-style: chr14-75047942-A-G. GRCh37 (hg19) VCF-style: chr14-75514645-A-G.
Other names: c.1714T>C, p.Trp572Arg (NM_014381.3); short protein forms W572R.
Identifiers: ClinVar variation 4552051 (VCV004552051.1).

ClinVar aggregate classification (germline): Uncertain significance (1 of 4 stars; one submission).

Submission:

Ambry Genetics
Classification: Uncertain significance. Last evaluated: 2025-09-25. Review status: criteria provided, single submitter. Criteria: Ambry Variant Classification Scheme 2023. Collection method: clinical testing. Allele origin: germline.
Comment: The p.W572R variant (also known as c.1714T>C), located in coding exon 1 of the MLH3 gene, results from a T to C substitution at nucleotide position 1714. The tryptophan at codon 572 is replaced by arginine, an amino acid with dissimilar properties. This amino acid position is conserved. In addition, this alteration is predicted to be tolerated by in silico analysis. Based on the available evidence, the clinical significance of this variant remains unclear.